The following is an entry in ClinVar:

NM_000448.3(RAG1):c.2293T>A (p.Ser765Thr)

Gene: RAG1 (recombination activating 1; plus strand). Cytogenetic location: 11p12.
Variant type: single nucleotide variant.
Coding change: c.2293T>A on transcript NM_000448.3 (MANE Select); coding-DNA position 2293, T replaced by A.
Protein change: p.Ser765Thr; replaces serine 765 with threonine.
Molecular consequence: missense variant.
Genome position (GRCh38, 1-based): chr11:36,575,597, T>A. VCF-style: chr11-36575597-T-A. GRCh37 (hg19) VCF-style: chr11-36597147-T-A.
Other names: c.2293T>A, p.Ser765Thr (NM_001377277.1, NM_001377278.1, NM_001377279.1 and 1 more transcripts); short protein forms S765T.
Identifiers: ClinVar variation 1925391 (VCV001925391.5), dbSNP rs2494759624, ClinGen allele CA380154409.

ClinVar aggregate classification (germline): Uncertain significance (1 of 4 stars; one submission).

Conditions:
Severe combined immunodeficiency, autosomal recessive, T cell-negative, B cell-negative, NK cell-positive. Also called: SCID, T CELL-NEGATIVE, B CELL-NEGATIVE, NK CELL-POSITIVE; Severe combined immunodeficiency due to complete RAG1/2 deficiency; SCID, AR, T-cell negative, B-cell negative, NK cell-positive. Identifiers: Orphanet 331206, MedGen C1832322, MONDO:0011086, OMIM 601457.
Combined immunodeficiency with skin granulomas. Identifiers: Orphanet 157949, MedGen C2673536, MONDO:0009306, OMIM 233650.

Submission:

Labcorp Genetics (formerly Invitae), Labcorp
Classification: Uncertain significance for Combined immunodeficiency with skin granulomas; Severe combined immunodeficiency, autosomal recessive, T cell-negative, B cell-negative, NK cell-positive. Last evaluated: 2022-07-24. Review status: criteria provided, single submitter. Criteria: Invitae Variant Classification Sherloc (09022015). Collection method: clinical testing. Allele origin: germline.
Comment: In summary, the available evidence is currently insufficient to determine the role of this variant in disease. Therefore, it has been classified as a Variant of Uncertain Significance. Advanced modeling of protein sequence and biophysical properties (such as structural, functional, and spatial information, amino acid conservation, physicochemical variation, residue mobility, and thermodynamic stability) performed at Invitae indicates that this missense variant is not expected to disrupt RAG1 protein function. This variant has not been reported in the literature in individuals affected with RAG1-related conditions. This variant is not present in population databases (gnomAD no frequency). This sequence change replaces serine, which is neutral and polar, with threonine, which is neutral and polar, at codon 765 of the RAG1 protein (p.Ser765Thr).